The following is an entry in ClinVar:

NM_003737.4(DCHS1):c.983A>T (p.His328Leu)

Gene: DCHS1 (dachsous cadherin-related 1; minus strand). Cytogenetic location: 11p15.4.
Variant type: single nucleotide variant.
Coding change: c.983A>T on transcript NM_003737.4 (MANE Select); coding-DNA position 983, A replaced by T.
Protein change: p.His328Leu; replaces histidine 328 with leucine.
Molecular consequence: missense variant.
Genome position (GRCh38, 1-based): chr11:6,640,631, T>A on the plus strand (A>T on the coding strand, the complement: DCHS1 is on the minus strand). VCF-style: chr11-6640631-T-A. GRCh37 (hg19) VCF-style: chr11-6661862-T-A.
Other names: short protein forms H328L.
Identifiers: ClinVar variation 2800383 (VCV002800383.3), dbSNP rs753507326, ClinGen allele CA379438208.

ClinVar aggregate classification (germline): Uncertain significance (1 of 4 stars; one submission).

Allele frequency attached by ClinVar (database versions not stated): gnomAD exomes below 0.00001.
gnomAD v4.1: 1 of 1,610,274 alleles (0.000062%); no homozygotes.

Submission:

Labcorp Genetics (formerly Invitae), Labcorp
Classification: Uncertain significance. Last evaluated: 2023-10-29. Review status: criteria provided, single submitter. Criteria: Invitae Variant Classification Sherloc (09022015). Collection method: clinical testing. Allele origin: germline.
Comment: This sequence change replaces histidine, which is basic and polar, with leucine, which is neutral and non-polar, at codon 328 of the DCHS1 protein (p.His328Leu). This variant is not present in population databases (gnomAD no frequency). This variant has not been reported in the literature in individuals affected with DCHS1-related conditions. Advanced modeling of protein sequence and biophysical properties (such as structural, functional, and spatial information, amino acid conservation, physicochemical variation, residue mobility, and thermodynamic stability) performed at Invitae indicates that this missense variant is not expected to disrupt DCHS1 protein function with a negative predictive value of 80%. In summary, the available evidence is currently insufficient to determine the role of this variant in disease. Therefore, it has been classified as a Variant of Uncertain Significance.